The following is an entry in ClinVar:

NM_138694.4(PKHD1):c.776C>G (p.Ser259Ter)

Gene: PKHD1 (PKHD1 ciliary IPT domain containing fibrocystin/polyductin; minus strand). Cytogenetic location: 6p12.2.
Variant type: single nucleotide variant.
Coding change: c.776C>G on transcript NM_138694.4 (MANE Select); coding-DNA position 776, C replaced by G.
Protein change: p.Ser259Ter; replaces serine 259 with a stop codon.
Molecular consequence: nonsense.
Genome position (GRCh38, 1-based): chr6:52,069,459, G>C on the plus strand (C>G on the coding strand, the complement: PKHD1 is on the minus strand). VCF-style: chr6-52069459-G-C. GRCh37 (hg19) VCF-style: chr6-51934257-G-C.
Other names: c.776C>G, p.Ser259Ter (NM_170724.3); short protein forms S259*.
Identifiers: ClinVar variation 1725457 (VCV001725457.2), dbSNP rs1160054242, ClinGen allele CA364431710.

ClinVar aggregate classification (germline): Likely pathogenic (1 of 4 stars; one submission).

Conditions:
Polycystic kidney disease 4 (PKD4). Also called: POLYCYSTIC KIDNEY AND HEPATIC DISEASE 1; POLYCYSTIC KIDNEY DISEASE, INFANTILE, TYPE I; POLYCYSTIC KIDNEY DISEASE 4 WITH OR WITHOUT POLYCYSTIC LIVER DISEASE; PKD3; Autosomal Recessive Polycystic Kidney Disease – PKHD1. Identifiers: MedGen C4540575, MONDO:0033004, OMIM 263200.

Submission:

Myriad Genetics, Inc.
Classification: Likely pathogenic for Polycystic kidney disease 4. Last evaluated: 2022-03-23. Review status: criteria provided, single submitter. Criteria: Myriad Women's Health Autosomal Recessive and X-Linked Classification Criteria (2021). Collection method: clinical testing. Allele origin: unknown.
Comment: NM_138694.3(PKHD1):c.776C>G(S259*) is expected to be pathogenic in the context of autosomal recessive polycystic kidney disease, PKHD1-related. This variant is predicted to lead to an abnormal or absent protein product due to the creation of a premature termination codon in PKHD1, a gene where loss-of-function variants are known to be pathogenic. Please note: this variant was assessed in the context of healthy population screening.